The following is an entry in ClinVar:

ClinVar aggregate classification (germline): Uncertain significance. Review status: criteria provided, multiple submitters, no conflicts (2 of 4 stars). 3 submissions from 3 submitters: Uncertain significance (3). Last evaluated 2025-09-22.

Conditions:
Macrocephaly, dysmorphic facies, and psychomotor retardation (MDFPMR). Identifiers: Orphanet 457359, MedGen C4310766, MONDO:0014863, OMIM 617011.

Allele frequency attached by ClinVar (database versions not stated): gnomAD 0.00001; ExAC 0.00002; gnomAD exomes 0.00003 and 0.00002; TOPMed 0.00002.
gnomAD v4.1: 23 of 1,612,786 alleles (0.0014%); highest among the groups gnomAD compares: Middle Eastern, 0.016%; no homozygotes.

Submissions (3):

GeneDx
Classification: Uncertain significance. Last evaluated: 2025-09-22. Review status: criteria provided, single submitter. Criteria: GeneDx Variant Classification Process June 2021. Collection method: clinical testing. Allele origin: germline.
Comment: In silico analysis suggests that this missense variant does not alter protein structure/function; Has not been previously published as pathogenic or benign to our knowledge

Labcorp Genetics (formerly Invitae), Labcorp
Classification: Uncertain significance. Last evaluated: 2022-07-06. Review status: criteria provided, single submitter. Criteria: Invitae Variant Classification Sherloc (09022015). Collection method: clinical testing. Allele origin: germline.
Comment: This sequence change replaces arginine, which is basic and polar, with glutamine, which is neutral and polar, at codon 3580 of the HERC1 protein (p.Arg3580Gln). This variant is present in population databases (rs747862975, gnomAD 0.02%). This variant has not been reported in the literature in individuals affected with HERC1-related conditions. ClinVar contains an entry for this variant (Variation ID: 1031369). Algorithms developed to predict the effect of missense changes on protein structure and function (SIFT, PolyPhen-2, Align-GVGD) all suggest that this variant is likely to be disruptive. In summary, the available evidence is currently insufficient to determine the role of this variant in disease. Therefore, it has been classified as a Variant of Uncertain Significance.

Baylor Genetics
Classification: Uncertain significance for Macrocephaly, dysmorphic facies, and psychomotor retardation. Last evaluated: 2018-11-28. Review status: criteria provided, single submitter. Criteria: ACMG Guidelines, 2015. Collection method: clinical testing. Allele origin: unknown. Affected: yes.
Comment: This variant was determined to be of uncertain significance according to ACMG Guidelines, 2015 [PMID:25741868].

NM_003922.4(HERC1):c.10739G>A (p.Arg3580Gln)

Gene: HERC1 (HECT and RLD domain containing E3 ubiquitin protein ligase family member 1; minus strand). Cytogenetic location: 15q22.31.
Variant type: single nucleotide variant.
Coding change: c.10739G>A on transcript NM_003922.4 (MANE Select); coding-DNA position 10739, G replaced by A.
Protein change: p.Arg3580Gln; replaces arginine 3580 with glutamine.
Molecular consequence: missense variant.
Genome position (GRCh38, 1-based): chr15:63,649,733, C>T on the plus strand (G>A on the coding strand, the complement: HERC1 is on the minus strand). VCF-style: chr15-63649733-C-T. GRCh37 (hg19) VCF-style: chr15-63941932-C-T.
Other names: short protein forms R3580Q.
Identifiers: ClinVar variation 1031369 (VCV001031369.4), dbSNP rs747862975, ClinGen allele CA7604400.